The following is an entry in ClinVar:

NM_000158.4(GBE1):c.1108+9C>T

Gene: GBE1 (1,4-alpha-glucan branching enzyme 1; minus strand). Cytogenetic location: 3p12.2.
Variant type: single nucleotide variant.
Coding change: c.1108+9C>T on transcript NM_000158.4 (MANE Select); 9 bases into the intron after coding-DNA position 1108, C replaced by T.
Molecular consequence: intron variant.
Genome position (GRCh38, 1-based): chr3:81,593,899, G>A on the plus strand (C>T on the coding strand, the complement: GBE1 is on the minus strand). VCF-style: chr3-81593899-G-A. GRCh37 (hg19) VCF-style: chr3-81643050-G-A.
Other names: p.?.
Identifiers: ClinVar variation 2933466 (VCV002933466.4), dbSNP rs777683959, ClinGen allele CA2499794.
Genomic context (GRCh38, chr3:81,593,899, plus strand): 5'-CAAGACACCAGTAATGGCTATTGCAGCTTCTGCAATTAACCCCAAACCTGATTATATCAG[G>A]TTACCTACCCACTCCATGGTGATGATAAAGCATGGACGTAACACCATCAAAACGAAATCC-3'

ClinVar aggregate classification (germline): Likely benign. Review status: criteria provided, multiple submitters, no conflicts (2 of 4 stars). 2 submissions from 2 submitters: Likely benign (2). Last evaluated 2025-05-06.

Conditions:
Glycogen storage disease, type IV (GSD4). Also called: AMYLOPECTINOSIS; ANDERSEN DISEASE; BRANCHER DEFICIENCY; CIRRHOSIS, FAMILIAL, WITH DEPOSITION OF ABNORMAL GLYCOGEN; GBE1 DEFICIENCY; GLYCOGEN BRANCHING ENZYME DEFICIENCY. Identifiers: Orphanet 367, MedGen C0017923, MONDO:0009292, OMIM 232500.
Glycogen storage disease IV, classic hepatic. Also called: GSD IV, CLASSIC HEPATIC. Identifiers: MedGen C1856301.

Allele frequency attached by ClinVar (database versions not stated): TOPMed below 0.00001; gnomAD 0.00001; ExAC 0.00004.

Submissions (2):

Mayo Clinic Laboratories, Mayo Clinic
Classification: Likely benign. Last evaluated: 2025-05-06. Review status: criteria provided, single submitter. Criteria: ACMG Guidelines, 2015. Collection method: clinical testing. Allele origin: germline. Observed: 1 variant allele.
Comment: BP4, BP7, PM2_supporting

Labcorp Genetics (formerly Invitae), Labcorp
Classification: Likely benign for Glycogen storage disease, type IV; Glycogen storage disease IV, classic hepatic. Last evaluated: 2023-10-11. Review status: criteria provided, single submitter. Criteria: Invitae Variant Classification Sherloc (09022015). Collection method: clinical testing. Allele origin: germline.